The following is an entry in ClinVar:

ClinVar aggregate classification (germline): Conflicting classifications of pathogenicity. Review status: criteria provided, conflicting classifications (1 of 4 stars). 6 submissions from 6 submitters: Uncertain significance (1); Benign (4); Likely benign (1). Last evaluated 2026-02-03.

Conditions:
Familial sleep-related hypermotor epilepsy. Also called: Autosomal Dominant Sleep-Related Hypermotor (Hyperkinetic) Epilepsy. Identifiers: Orphanet 98784, MedGen C3696898, MONDO:0000030.
Inborn genetic diseases. Identifiers: MedGen C0950123, MeSH D030342.

Allele frequency attached by ClinVar (database versions not stated): gnomAD exomes 0.00071 and 0.00055; gnomAD 0.00851 and 0.00898; ExAC 0.00081; 1000 Genomes Project 0.01118; TOPMed 0.00934; 1000 Genomes Project 30x 0.01280.
gnomAD v4.1: 2,071 of 1,476,610 alleles (0.14%); highest among the groups gnomAD compares: African/African-American, 2.7%; 33 homozygotes.

Submissions (6):

Labcorp Genetics (formerly Invitae), Labcorp
Classification: Benign. Last evaluated: 2026-02-03. Review status: criteria provided, single submitter. Criteria: Invitae Variant Classification Sherloc (09022015). Collection method: clinical testing. Allele origin: germline.

ARUP Laboratories, Molecular Genetics and Genomics, ARUP Laboratories
Classification: Benign. Last evaluated: 2025-03-06. Review status: criteria provided, single submitter. Criteria: ARUP Molecular Germline Variant Investigation Process 2024. Collection method: clinical testing. Allele origin: germline.

Eurofins Ntd Llc (ga)
Classification: Benign. Last evaluated: 2018-03-22. Review status: criteria provided, single submitter. Criteria: EGL ClinVar v180209 classification definitions. Collection method: clinical testing. Allele origin: germline. Observed: 5 variant alleles, 5 heterozygotes.

Ambry Genetics
Classification: Likely benign for Inborn genetic diseases. Last evaluated: 2016-09-06. Review status: criteria provided, single submitter. Criteria: Ambry Variant Classification Scheme 2023. Collection method: clinical testing. Allele origin: germline.

GeneDx
Classification: Benign. Last evaluated: 2013-11-01. Review status: criteria provided, single submitter. Criteria: GeneDx Variant Classification (06012015). Collection method: clinical testing. Allele origin: germline. Affected: yes.
Comment: This variant is considered likely benign or benign based on one or more of the following criteria: it is a conservative change, it occurs at a poorly conserved position in the protein, it is predicted to be benign by multiple in silico algorithms, and/or has population frequency not consistent with disease.

Genetic Services Laboratory, University of Chicago
Classification: Uncertain significance. Last evaluated: 2013-08-27. Review status: criteria provided, single submitter. Criteria: ACMG Guidelines, 2007. Collection method: clinical testing. Allele origin: germline. Inheritance: Autosomal dominant inheritance.

NM_000744.7(CHRNA4):c.24G>C (p.Ala8=)

Genes: CHRNA4 (cholinergic receptor nicotinic alpha 4 subunit; minus strand), LOC100130587 (uncharacterized LOC100130587; plus strand). Cytogenetic location: 20q13.33.
Variant type: single nucleotide variant.
Coding change: c.24G>C on transcript NM_000744.7 (MANE Select); coding-DNA position 24, G replaced by C.
Protein change: p.Ala8=; no amino-acid change (alanine 8 retained).
Molecular consequence: synonymous variant. On other transcripts: non-coding transcript variant (1), intron variant (1).
Genome position (GRCh38, 1-based): chr20:63,361,142, C>G on the plus strand (G>C on the coding strand, the complement: CHRNA4 is on the minus strand). VCF-style: chr20-63361142-C-G. GRCh37 (hg19) VCF-style: chr20-61992494-C-G.
Other names: p.A8A:GCG>GCC; c.-471+35G>C (NM_001256573.2).
Identifiers: ClinVar variation 128748 (VCV000128748.25), dbSNP rs6089898, ClinGen allele CA231032.